The following is an entry in ClinVar:

NM_177438.3(DICER1):c.2789C>A (p.Ala930Asp)

Gene: DICER1 (dicer 1, ribonuclease III; minus strand). Cytogenetic location: 14q32.13.
Variant type: single nucleotide variant.
Coding change: c.2789C>A on transcript NM_177438.3 (MANE Select); coding-DNA position 2789, C replaced by A.
Protein change: p.Ala930Asp; replaces alanine 930 with aspartic acid.
Molecular consequence: missense variant. On other transcripts: non-coding transcript variant (6).
Genome position (GRCh38, 1-based): chr14:95,107,623, G>T on the plus strand (C>A on the coding strand, the complement: DICER1 is on the minus strand). VCF-style: chr14-95107623-G-T. GRCh37 (hg19) VCF-style: chr14-95573960-G-T.
Other names: c.1106C>A, p.Ala369Asp (NM_001395697.1); c.2789C>A, p.Ala930Asp (NM_030621.4, NM_001395694.1, NM_001395695.1 and 12 more transcripts); c.2384C>A, p.Ala795Asp (NM_001395696.1, NM_001395687.1, NM_001395688.1 and 2 more transcripts); c.2507C>A, p.Ala836Asp (NM_001395686.1); c.2222C>A, p.Ala741Asp (NM_001395691.1); short protein forms A369D, A741D, A795D, A836D, A930D.
Identifiers: ClinVar variation 3617615 (VCV003617615.3).
Genomic context (GRCh38, chr14:95,107,623, plus strand): 5'-AAAACAAAGTATCACCACCATTTTCCTTTCCATTTAAATACCTACCTTGGAATGATAACG[G>T]CATCTTGGTAATCTTCTAATTTAAAAACAAAGGGTGTTTCTTTTGTATACTTTGTACTGG-3'
Protein context (NP_803187.1, residues 920-940): FVFKLEDYQD[Ala930Asp]VIIPRYRNFD

ClinVar aggregate classification (germline): Uncertain significance. Review status: criteria provided, multiple submitters, no conflicts (2 of 4 stars). 2 submissions from 2 submitters: Uncertain significance (2). Last evaluated 2025-03-10.

Conditions:
DICER1-related tumor predisposition. Also called: DICER1 syndrome; DICER1-related pleuropulmonary blastoma cancer predisposition syndrome. Identifiers: Orphanet 284343, MedGen C3839822, MONDO:0100216.
Hereditary cancer-predisposing syndrome. Also called: Neoplastic Syndromes, Hereditary; Tumor predisposition; Hereditary Cancer Syndrome; Hereditary neoplastic syndrome. Identifiers: Orphanet 140162, MedGen C0027672, MeSH D009386, MONDO:0015356.

Submissions (2):

Ambry Genetics
Classification: Uncertain significance for Hereditary cancer-predisposing syndrome. Last evaluated: 2025-03-10. Review status: criteria provided, single submitter. Criteria: Ambry Variant Classification Scheme 2023. Collection method: clinical testing. Allele origin: germline.
Comment: The p.A930D variant (also known as c.2789C>A), located in coding exon 16 of the DICER1 gene, results from a C to A substitution at nucleotide position 2789. The alanine at codon 930 is replaced by aspartic acid, an amino acid with dissimilar properties. This amino acid position is conserved. In addition, the in silico prediction for this alteration is inconclusive. Based on the available evidence, the clinical significance of this variant remains unclear.

Labcorp Genetics (formerly Invitae), Labcorp
Classification: Uncertain significance for DICER1-related tumor predisposition. Last evaluated: 2024-07-08. Review status: criteria provided, single submitter. Criteria: Invitae Variant Classification Sherloc (09022015). Collection method: clinical testing. Allele origin: germline.
Comment: This sequence change replaces alanine, which is neutral and non-polar, with aspartic acid, which is acidic and polar, at codon 930 of the DICER1 protein (p.Ala930Asp). This variant is not present in population databases (gnomAD no frequency). This variant has not been reported in the literature in individuals affected with DICER1-related conditions. Advanced modeling of protein sequence and biophysical properties (such as structural, functional, and spatial information, amino acid conservation, physicochemical variation, residue mobility, and thermodynamic stability) performed at Invitae indicates that this missense variant is expected to disrupt DICER1 protein function with a positive predictive value of 80%. In summary, the available evidence is currently insufficient to determine the role of this variant in disease. Therefore, it has been classified as a Variant of Uncertain Significance.